The following is an entry in ClinVar:

NM_000179.3(MSH6):c.4029_4032dup (p.Val1345fs)

Gene: MSH6 (mutS homolog 6; plus strand). Cytogenetic location: 2p16.3.
Variant type: Duplication.
Coding change: c.4029_4032dup on transcript NM_000179.3 (MANE Select); coding-DNA positions 4029 to 4032, 4 bases duplicated (AACT; older notation c.4029_4032dupAACT).
Protein change: p.Val1345fs; shifts the reading frame from valine 1345.
Molecular consequence: frameshift variant. On other transcripts: 3 prime UTR variant (5), non-coding transcript variant (5).
Genome position (GRCh38, 1-based): chr2:47,806,806-47,806,809, AACT duplicated. VCF-style (leftmost placement, unchanged base first): chr2-47806805-C-CAACT. GRCh37 (hg19) VCF-style: chr2-48033944-C-CAACT.
Other names: c.3639_3642dup, p.Val1215fs (NM_001281492.2); c.3123_3126dup, p.Val1043fs (NM_001281493.2, NM_001281494.2, NM_001406811.1 and 6 more transcripts); c.4125_4128dup, p.Val1377fs (NM_001406795.1); c.4029_4032dup, p.Val1345fs (NM_001406796.1, NM_001406809.1); c.3732_3735dup, p.Val1246fs (NM_001406797.1, NM_001406805.1, NM_001406827.1 and 8 more transcripts); c.3855_3858dup, p.Val1287fs (NM_001406798.1); c.3504_3507dup, p.Val1170fs (NM_001406799.1, NM_001406806.1, NM_001406807.1); c.*50_*53dup (NM_001406800.1); and 9 more; short protein forms V1043fs, V1347fs, V1170fs, V1215fs, V1246fs, V294fs, V660fs, V1289fs.
Identifiers: ClinVar variation 2847498 (VCV002847498.3), dbSNP rs2530894361, ClinGen allele CA2739274452.
Genomic context (GRCh38, chr2:47,806,805, plus strand): 5'-AAAAAACTTTTTTTTTTTTTTTTTTAATTTTAAGGGAAGTTTGCCTGGCTAGTGAAAGGT[C>CAACT]AACTGTAGATGCTGAAGCTGTCCATAAATTGCTGACTTTGATTAAGGAATTATAGACTGA-3'

ClinVar aggregate classification (germline): Uncertain significance (1 of 4 stars; one submission).

Conditions:
Hereditary nonpolyposis colorectal neoplasms. Identifiers: MedGen C0009405, MeSH D003123.

Submission:

Labcorp Genetics (formerly Invitae), Labcorp
Classification: Uncertain significance for Hereditary nonpolyposis colorectal neoplasms. Last evaluated: 2023-03-19. Review status: criteria provided, single submitter. Criteria: Invitae Variant Classification Sherloc (09022015). Collection method: clinical testing. Allele origin: germline.
Comment: This variant is not present in population databases (gnomAD no frequency). This variant has not been reported in the literature in individuals affected with MSH6-related conditions. In summary, the available evidence is currently insufficient to determine the role of this variant in disease. Therefore, it has been classified as a Variant of Uncertain Significance. This sequence change creates a premature translational stop signal (p.Val1345Asnfs*5) in the MSH6 gene. While this is not anticipated to result in nonsense mediated decay, it is expected to disrupt the last 16 amino acid(s) of the MSH6 protein.